The following is an entry in ClinVar:

NM_032043.3(BRIP1):c.679C>G (p.Gln227Glu)

Gene: BRIP1 (BRCA1 interacting DNA helicase 1; minus strand). Cytogenetic location: 17q23.2.
Variant type: single nucleotide variant.
Coding change: c.679C>G on transcript NM_032043.3 (MANE Select); coding-DNA position 679, C replaced by G.
Protein change: p.Gln227Glu; replaces glutamine 227 with glutamic acid.
Molecular consequence: missense variant.
Genome position (GRCh38, 1-based): chr17:61,808,706, G>C on the plus strand (C>G on the coding strand, the complement: BRIP1 is on the minus strand). VCF-style: chr17-61808706-G-C. GRCh37 (hg19) VCF-style: chr17-59886067-G-C.
Other names: short protein forms Q227E.
Identifiers: ClinVar variation 216800 (VCV000216800.52), dbSNP rs45459799, ClinGen allele CA336231.

ClinVar aggregate classification (germline): Conflicting classifications of pathogenicity. Review status: criteria provided, conflicting classifications (1 of 4 stars). 18 submissions from 17 submitters: Uncertain significance (13); Likely benign (2). 3 of the submissions do not count toward it. Last evaluated 2026-01-25.

Conditions:
Fanconi anemia complementation group J. Also called: BRIP1-Related Fanconi Anemia. Identifiers: Orphanet 84, MedGen C1836860, MONDO:0012187, OMIM 609054.
Familial cancer of breast. Also called: hereditary breast carcinoma; Hereditary breast cancer; BREAST CANCER, FAMILIAL. Identifiers: Orphanet 227535, MedGen C0346153, MONDO:0016419, OMIM 114480. Disease mechanism: loss of function.
Ovarian cancer. Also called: OVARIAN CANCER, SOMATIC. Identifiers: Orphanet 213500, MedGen C1140680, MONDO:0008170, OMIM 167000.
Familial ovarian cancer. Identifiers: MedGen C5679802, MONDO:0016248.
BRIP1-related disorder. Also called: BRIP1-related condition; BRIP1-related disorders. Identifiers: MedGen CN239206.
Hereditary cancer-predisposing syndrome. Also called: Hereditary Cancer Syndrome; Tumor predisposition; Hereditary neoplastic syndrome; Neoplastic Syndromes, Hereditary. Identifiers: Orphanet 140162, MedGen C0027672, MeSH D009386, MONDO:0015356.

Allele frequency attached by ClinVar (database versions not stated): gnomAD 0.00001; TOPMed 0.00002; ExAC 0.00004; gnomAD exomes 0.00004 and 0.00005.
gnomAD v4.1: 79 of 1,613,734 alleles (0.0049%); highest among the groups gnomAD compares: Non-Finnish European, 0.0062%; no homozygotes.

Submissions (18):

Labcorp Genetics (formerly Invitae), Labcorp
Classification: Uncertain significance for Familial cancer of breast; Fanconi anemia complementation group J. Last evaluated: 2026-01-25. Review status: criteria provided, single submitter. Criteria: Invitae Variant Classification Sherloc (09022015). Collection method: clinical testing. Allele origin: germline.
Comment: This sequence change replaces glutamine, which is neutral and polar, with glutamic acid, which is acidic and polar, at codon 227 of the BRIP1 protein (p.Gln227Glu). This variant is present in population databases (rs45459799, gnomAD 0.008%). This missense change has been observed in individual(s) with breast cancer (PMID: 26921362, 31822495, 32658311). ClinVar contains an entry for this variant (Variation ID: 216800). Invitae Evidence Modeling of protein sequence and biophysical properties (such as structural, functional, and spatial information, amino acid conservation, physicochemical variation, residue mobility, and thermodynamic stability) indicates that this missense variant is not expected to disrupt BRIP1 protein function with a negative predictive value of 95%. In summary, the available evidence is currently insufficient to determine the role of this variant in disease. Therefore, it has been classified as a Variant of Uncertain Significance.

Quest Diagnostics Nichols Institute San Juan Capistrano
Classification: Uncertain significance. Last evaluated: 2025-10-18. Review status: criteria provided, single submitter. Criteria: Quest Diagnostics criteria. Collection method: clinical testing. Allele origin: unknown.
Comment: The BRIP1 c.679C>G (p.Gln227Glu) variant has been reported in the published literature in individuals affected with breast cancer (PMID: 32658311 (2021), 33471991 (2021), see also LOVD, 31822495 (2020)). This variant is also found in reportedly unaffected individuals (PMID: 33471991 (2021), see also LOVD, 17033622 (2006)). The frequency of this variant in the general population (Genome Aggregation Database) is uninformative in the assessment of its pathogenicity. Analysis of this variant using bioinformatics tools for the prediction of the effect of amino acid changes on protein structure and function yielded predictions that this variant is benign. Based on the available information, we are unable to determine the clinical significance of this variant.

Hema, HEMA – Genetic and Molecular Diagnostic Laboratory
Classification: Uncertain significance for Familial ovarian cancer. Last evaluated: 2025-09-02. Review status: criteria provided, single submitter. Criteria: HEMA Variant Classification Assertion Criteria. Collection method: clinical testing. Allele origin: germline.
Comment: It is a transversion from cytosine to guanine, resulting in the substitution of glutamine 227 by glutamic acid. BP4_Moderate: The computational metapredictor REVEL score = 0.046 ≤ 0.183, indicating that the variant is not likely to have an effect on the BRIP1 protein.

PreventionGenetics, part of Exact Sciences
Classification: Uncertain significance for BRIP1-related condition. Last evaluated: 2025-08-21. Review status: criteria provided, single submitter. Criteria: ACMG Guidelines, 2015. Collection method: clinical testing. Allele origin: germline.
Comment: The BRIP1 c.679C>G variant is predicted to result in the amino acid substitution p.Gln227Glu. This variant has been reported in individuals with breast cancer and in unaffected controls (Easton et al. 2016. PubMed ID: 26921362; Moyer et al. 2019. PubMed ID: 31822495; Seal et al. 2006. PubMed ID: 17033622; Akcay et al. 2020. PubMed ID: 32658311). This variant is reported in 0.0079% of alleles in individuals of European (Non-Finnish) descent in gnomAD, and has conflicting classifications ranging from likely benign to uncertain in ClinVar (Variation ID: 216800). At this time, the clinical significance of this variant is uncertain due to the absence of conclusive functional and genetic evidence.

Molecular Diagnostics Laboratory, Catalan Institute of Oncology
Classification: Uncertain significance for Hereditary cancer-predisposing syndrome. Last evaluated: 2025-07-07. Review status: criteria provided, single submitter. Criteria: ACMG Guidelines, 2015. Collection method: clinical testing. Allele origin: germline.
Comment: BP4_Moderate c.679C>G, located in exon 7 of the BRIP1, is predicted to result in the substitution of glutamine with glutamic acid at codon 227, p.(Gln227Glu). This variant is found in 8/102350, with a filter allele frequency of 0.003% at 99% confidence in the gnomAD v2.1.1 database (European non-Finnish non-cancer data set). The SpliceAI algorithm predicts no significant impact on splicing and the REVEL meta-predictor score for this variant (0.046) suggests that it does not affect the protein function according to Pejaver 2022 thresholds (PMID: 36413997) (BP4_Moderate). To our knowledge, neither relevant clinical data nor functional studies have been reported for this variant. It has been reported in the ClinVar database (1x likely benign, 13x uncertain significance) and in the LOVD database (1x likely benign, 2x not classified). Based on the currently available information, c.679C>G is classified as an uncertain significance variant according to ACMG guidelines.

GeneDx
Classification: Uncertain significance. Last evaluated: 2025-06-15. Review status: criteria provided, single submitter. Criteria: GeneDx Variant Classification Process June 2021. Collection method: clinical testing. Allele origin: germline. Affected: yes.
Comment: Identified in individuals with breast cancer, but also in unaffected controls (PMID: 26921362, 31822495, 32658311); In silico analysis suggests that this missense variant does not alter protein structure/function; This variant is associated with the following publications: (PMID: 26921362, 31822495, 33471991, 32658311, 17033622)

Ambry Genetics
Classification: Likely benign for Hereditary cancer-predisposing syndrome. Last evaluated: 2025-05-01. Review status: criteria provided, single submitter. Criteria: Ambry Variant Classification Scheme 2023. Collection method: clinical testing. Allele origin: germline.

Center for Genomic Medicine, Rigshospitalet, Copenhagen University Hospital
Classification: Uncertain significance. Last evaluated: 2025-03-04. Review status: criteria provided, single submitter. Criteria: ACMG Guidelines, 2015. Collection method: clinical testing. Allele origin: germline.

Blueprint Genetics
Classification: Likely benign. Last evaluated: 2024-11-15. Review status: criteria provided, single submitter. Criteria: ACMG Guidelines, 2015. Collection method: clinical testing. Allele origin: germline.

Color Diagnostics, LLC DBA Color Health
Classification: Uncertain significance for Hereditary cancer-predisposing syndrome. Last evaluated: 2024-01-29. Review status: criteria provided, single submitter. Criteria: ACMG Guidelines, 2015. Collection method: clinical testing. Allele origin: germline.
Comment: This missense variant replaces glutamine with glutamic acid at codon 227 of the BRIP1 protein. Computational prediction suggests that this variant may not impact protein structure and function. To our knowledge, functional studies have not been reported for this variant. This variant has been reported in several individuals affected with breast cancer, as well as in an unaffected control individual (PMID: 26921362, 31822495). In a large breast cancer case-control meta-analysis, this variant has been observed in 5/60466 cases and 5/53461 unaffected controls (OR=0.884, 95%CI 0.256 to 3.054; PMID: 33471991; Leiden Open Variation Database DB-ID BRIP1_000027). This variant has been identified in 9/250948 chromosomes in the general population by the Genome Aggregation Database (gnomAD). The available evidence is insufficient to determine the role of this variant in disease conclusively. Therefore, this variant is classified as a Variant of Uncertain Significance.

Department of Pathology and Laboratory Medicine, Sinai Health System
Classification: Uncertain significance for Familial cancer of breast. Last evaluated: 2024-01-19. Review status: criteria provided, single submitter. Criteria: ACMG Guidelines, 2015. Collection method: clinical testing. Allele origin: germline. Affected: yes.

Myriad Genetics, Inc.
Classification: Uncertain significance for Familial cancer of breast. Last evaluated: 2023-02-28. Review status: criteria provided, single submitter. Criteria: Myriad Autosomal Dominant, Autosomal Recessive and X-Linked Classification Criteria (2023). Collection method: clinical testing. Allele origin: unknown.
Comment: This variant is classified as a variant of uncertain significance as there is insufficient evidence to determine its impact on protein function and/or cancer risk.

Sema4
Classification: Uncertain significance for Hereditary cancer-predisposing syndrome. Last evaluated: 2021-11-22. Review status: criteria provided, single submitter. Criteria: Sema4 Curation Guidelines. Collection method: curation. Allele origin: germline.
Comment: The BRIP1 c.679C>G (p.Q227E ) variant has been reported in heterozygosity in 4 individuals with breast cancer (PMID: 31822495, 26921362). It has been reported in a large case-control study of breast cancer in 5/60466 cases and 5/53461 controls (PMID: 33471991). It was observed in 9/113360 chromosomes of the Non-Finnish European (NFE) subpopulation in the large and broad cohorts of the Genome Aggregation Database (PMID: 32461654). This variant has been reported in ClinVar (Variation ID 216800). In silico tools suggest the impact of the variant on protein function is benign, though these predictions have not been confirmed by functional studies. The evidence is insufficient to meet ACMG/AMP criteria for classifying the variant as benign or pathogenic. Thus, the clinical significance of this variant is currently uncertain.

Institute for Clinical Genetics, University Hospital TU Dresden, University Hospital TU Dresden
Classification: Uncertain significance. Last evaluated: 2021-11-03. Review status: criteria provided, single submitter. Criteria: ACMG Guidelines, 2015. Collection method: clinical testing. Allele origin: germline.

Genetics and Molecular Pathology, SA Pathology
Classification: Uncertain significance for Familial cancer of breast. Last evaluated: 2021-06-04. Review status: criteria provided, single submitter. Criteria: ACMG Guidelines, 2015. Collection method: clinical testing. Allele origin: germline. Affected: yes.

True Health Diagnostics
Classification: Likely benign for Hereditary cancer-predisposing syndrome. Last evaluated: 2017-10-16. Review status: no assertion criteria provided. Collection method: clinical testing. Allele origin: germline. Not counted in ClinVar's aggregate classification.

Counsyl
Classification: Uncertain significance for Fanconi anemia complementation group J. Last evaluated: 2016-11-02. Review status: no assertion criteria provided. Collection method: clinical testing. Allele origin: unknown. Not counted in ClinVar's aggregate classification.

Counsyl
Classification: Uncertain significance for Ovarian cancer. Last evaluated: 2016-11-02. Review status: no assertion criteria provided. Collection method: clinical testing. Allele origin: unknown. Not counted in ClinVar's aggregate classification.

Literature cited by the submitters: PubMed 26921362 (cited by 6 submitters); PubMed 31822495 (cited by 7 submitters); PubMed 32658311 (cited by 3 submitters); PubMed 17033622 (cited by Quest Diagnostics Nichols Institute San Juan Capistrano); PubMed 33471991 (cited by 4 submitters).